The following is an entry in ClinVar:

NM_015681.6(B9D1):c.412A>G (p.Met138Val)

Gene: B9D1 (B9 domain containing 1; minus strand). Cytogenetic location: 17p11.2.
Variant type: single nucleotide variant.
Coding change: c.412A>G on transcript NM_015681.6 (MANE Select); coding-DNA position 412, A replaced by G.
Protein change: p.Met138Val; replaces methionine 138 with valine.
Molecular consequence: missense variant. On other transcripts: intron variant (1).
Genome position (GRCh38, 1-based): chr17:19,343,850, T>C on the plus strand (A>G on the coding strand, the complement: B9D1 is on the minus strand). VCF-style: chr17-19343850-T-C. GRCh37 (hg19) VCF-style: chr17-19247163-T-C.
Other names: c.412A>G, p.Met138Val (NM_001321214.2, NM_001321215.3, NM_001321217.2 and 2 more transcripts); c.52A>G, p.Met18Val (NM_001368769.2); c.404+3419A>G (NM_001321219.2); short protein forms M18V, M138V.
Identifiers: ClinVar variation 4990977 (VCV004990977.1).

ClinVar aggregate classification (germline): Uncertain significance (1 of 4 stars; one submission).

Conditions:
B9D1-related disorder. Also called: B9D1-related condition; B9D1-related disorders.

Submission:

PreventionGenetics, part of Exact Sciences
Classification: Uncertain significance for B9D1-related condition. Last evaluated: 2026-02-17. Review status: criteria provided, single submitter. Criteria: ACMG Guidelines, 2015. Collection method: clinical testing. Allele origin: germline.
Comment: The B9D1 c.412A>G variant is predicted to result in the amino acid substitution p.Met138Val. To our knowledge, this variant has not been reported in the literature or in a large population database (gnomAD), indicating this variant is rare. At this time, the clinical significance of this variant is uncertain due to the absence of conclusive functional and genetic evidence.